The following is an entry in ClinVar:

ClinVar aggregate classification (germline): Conflicting classifications of pathogenicity. Review status: criteria provided, conflicting classifications (1 of 4 stars). 5 submissions from 5 submitters: Uncertain significance (3); Likely benign (1). 1 of the submissions does not count toward it. Last evaluated 2026-01-24.

Conditions:
IL12RB2-related disorder. Also called: IL12RB2-related condition.

Allele frequency attached by ClinVar (database versions not stated): 1000 Genomes Project 0.00020; 1000 Genomes Project 30x 0.00031; ESP Exome Variant Server 0.00038; gnomAD 0.00042 and 0.00046; TOPMed 0.00056; ExAC 0.00059.
gnomAD v4.1: 672 of 1,554,938 alleles (0.043%); highest among the groups gnomAD compares: Middle Eastern, 0.29%; no homozygotes.

Submissions (5):

Labcorp Genetics (formerly Invitae), Labcorp
Classification: Uncertain significance. Last evaluated: 2026-01-24. Review status: criteria provided, single submitter. Criteria: Invitae Variant Classification Sherloc (09022015). Collection method: clinical testing. Allele origin: germline.
Comment: This sequence change replaces methionine, which is neutral and non-polar, with leucine, which is neutral and non-polar, at codon 330 of the IL12RB2 protein (p.Met330Leu). This variant is present in population databases (rs150877640, gnomAD 0.2%), and has an allele count higher than expected for a pathogenic variant. This variant has not been reported in the literature in individuals affected with IL12RB2-related conditions. ClinVar contains an entry for this variant (Variation ID: 1411285). An algorithm developed to predict the effect of missense changes on protein structure and function outputs the following: PolyPhen-2: "Benign". The leucine amino acid residue is found in multiple mammalian species, which suggests that this missense change does not adversely affect protein function. In summary, the available evidence is currently insufficient to determine the role of this variant in disease. Therefore, it has been classified as a Variant of Uncertain Significance.

Ambry Genetics
Classification: Uncertain significance. Last evaluated: 2025-01-17. Review status: criteria provided, single submitter. Criteria: Ambry Variant Classification Scheme 2023. Collection method: clinical testing. Allele origin: germline.

CeGaT Center for Human Genetics Tuebingen
Classification: Likely benign. Last evaluated: 2023-02-01. Review status: criteria provided, single submitter. Criteria: CeGaT Center For Human Genetics Tuebingen Variant Classification Criteria Version 2. Collection method: clinical testing. Allele origin: germline. Affected: yes. Observed: 1 variant allele.
Comment: IL12RB2: BP4

Breakthrough Genomics
Classification: Uncertain significance. Review status: criteria provided, single submitter. Criteria: ACMG Guidelines, 2015. Collection method: not provided. Allele origin: germline. Inheritance: Unknown mechanism. Affected: yes.

PreventionGenetics, part of Exact Sciences
Classification: Likely benign for IL12RB2-related condition. Last evaluated: 2022-10-17. Review status: no assertion criteria provided. Collection method: clinical testing. Allele origin: germline. Not counted in ClinVar's aggregate classification.
Comment: This variant is classified as likely benign based on ACMG/AMP sequence variant interpretation guidelines (Richards et al. 2015 PMID: 25741868, with internal and published modifications).

NM_001374259.2(IL12RB2):c.988A>T (p.Met330Leu)

Gene: IL12RB2 (interleukin 12 receptor subunit beta 2; plus strand). Cytogenetic location: 1p31.3.
Variant type: single nucleotide variant.
Coding change: c.988A>T on transcript NM_001374259.2 (MANE Select); coding-DNA position 988, A replaced by T.
Protein change: p.Met330Leu; replaces methionine 330 with leucine.
Molecular consequence: missense variant. On other transcripts: non-coding transcript variant (2).
Genome position (GRCh38, 1-based): chr1:67,338,653, A>T. VCF-style: chr1-67338653-A-T. GRCh37 (hg19) VCF-style: chr1-67804336-A-T.
Other names: c.988A>T, p.Met330Leu (NM_001258214.1, NM_001258215.1, NM_001258216.1 and 2 more transcripts); c.988A>T (NM_001559.2); short protein forms M330L.
Identifiers: ClinVar variation 1411285 (VCV001411285.33), dbSNP rs150877640, ClinGen allele CA900358.